The following is an entry in ClinVar:

ClinVar aggregate classification (germline): Uncertain significance. Review status: criteria provided, multiple submitters, no conflicts (2 of 4 stars). 2 submissions from 2 submitters: Uncertain significance (2). Last evaluated 2024-10-24.

Allele frequency attached by ClinVar (database versions not stated): gnomAD exomes 0.00002; ExAC 0.00003; ESP Exome Variant Server 0.00008.
gnomAD v4.1: 39 of 1,611,240 alleles (0.0024%); highest among the groups gnomAD compares: African/African-American, 0.0053%; no homozygotes.

Submissions (2):

Blueprint Genetics
Classification: Uncertain significance. Last evaluated: 2024-10-24. Review status: criteria provided, single submitter. Criteria: ACMG Guidelines, 2015. Collection method: clinical testing. Allele origin: germline.

Labcorp Genetics (formerly Invitae), Labcorp
Classification: Uncertain significance. Last evaluated: 2022-08-23. Review status: criteria provided, single submitter. Criteria: Invitae Variant Classification Sherloc (09022015). Collection method: clinical testing. Allele origin: germline.
Comment: This sequence change replaces glycine, which is neutral and non-polar, with serine, which is neutral and polar, at codon 67 of the CNGA3 protein (p.Gly67Ser). This variant is present in population databases (rs147789073, gnomAD 0.006%). This variant has not been reported in the literature in individuals affected with CNGA3-related conditions. ClinVar contains an entry for this variant (Variation ID: 1058921). Advanced modeling of protein sequence and biophysical properties (such as structural, functional, and spatial information, amino acid conservation, physicochemical variation, residue mobility, and thermodynamic stability) performed at Invitae indicates that this missense variant is not expected to disrupt CNGA3 protein function. In summary, the available evidence is currently insufficient to determine the role of this variant in disease. Therefore, it has been classified as a Variant of Uncertain Significance.

NM_001298.3(CNGA3):c.199G>A (p.Gly67Ser)

Gene: CNGA3 (cyclic nucleotide gated channel subunit alpha 3; plus strand). Cytogenetic location: 2q11.2.
Variant type: single nucleotide variant.
Coding change: c.199G>A on transcript NM_001298.3 (MANE Select); coding-DNA position 199, G replaced by A.
Protein change: p.Gly67Ser; replaces glycine 67 with serine.
Molecular consequence: missense variant.
Genome position (GRCh38, 1-based): chr2:98,377,784, G>A. VCF-style: chr2-98377784-G-A. GRCh37 (hg19) VCF-style: chr2-98994247-G-A.
Other names: c.199G>A, p.Gly67Ser (NM_001079878.2); short protein forms G67S.
Identifiers: ClinVar variation 1058921 (VCV001058921.5), dbSNP rs147789073, ClinGen allele CA1793608.
Genomic context (GRCh38, chr2:98,377,784, plus strand): 5'-CAGCCGGGGATCGCCATGGAGACCAGAGGACTGGCTGACTCCGGGCAGGGCTCCTTCACC[G>A]GCCAGGGGATCGCCAGGTAACTGACCAGCCTCAGTCCCTACCTTGGCCTGGGGGACACTG-3'
Protein context (NP_001289.1, residues 57-77): LADSGQGSFT[Gly67Ser]QGIARLSRLI